The following is an entry in ClinVar:

NM_004168.4(SDHA):c.634G>C (p.Asp212His)

Gene: SDHA (succinate dehydrogenase complex flavoprotein subunit A; plus strand). Cytogenetic location: 5p15.33.
Variant type: single nucleotide variant.
Coding change: c.634G>C on transcript NM_004168.4 (MANE Select); coding-DNA position 634, G replaced by C.
Protein change: p.Asp212His; replaces aspartic acid 212 with histidine.
Molecular consequence: missense variant.
Genome position (GRCh38, 1-based): chr5:228,197, G>C. VCF-style: chr5-228197-G-C. GRCh37 (hg19) VCF-style: chr5-228312-G-C.
Other names: c.490G>C, p.Asp164His (NM_001294332.2); c.634G>C, p.Asp212His (NM_001330758.2); short protein forms D164H, D212H.
Identifiers: ClinVar variation 2452808 (VCV002452808.3), dbSNP rs765376662, ClinGen allele CA359010803.
Genomic context (GRCh38, chr5:228,197, plus strand): 5'-TAAAGTTTGGCTTAACACTTCTTGCCCTTTTTTTTTCCTTTCTTTTAGTCTCTGCGATAT[G>C]ATACCAGCTATTTTGTGGAGTATTTTGCCTTGGATCTCCTGATGGAGAATGGGGAGTGCC-3'
Protein context (NP_004159.2, residues 202-222): HTLYGRSLRY[Asp212His]TSYFVEYFAL

ClinVar aggregate classification (germline): Uncertain significance. Review status: criteria provided, multiple submitters, no conflicts (2 of 4 stars). 2 submissions from 2 submitters: Uncertain significance (2). Last evaluated 2025-10-13.

Conditions:
Hereditary cancer-predisposing syndrome. Also called: Neoplastic Syndromes, Hereditary; Tumor predisposition; Hereditary Cancer Syndrome; Hereditary neoplastic syndrome. Identifiers: Orphanet 140162, MedGen C0027672, MeSH D009386, MONDO:0015356.
Mitochondrial complex II deficiency, nuclear type 1. Also called: SUCCINATE CoQ REDUCTASE DEFICIENCY. Identifiers: Orphanet 3208, MedGen C5700310, MONDO:0100294, OMIM 252011.
Pheochromocytoma/paraganglioma syndrome 5. Also called: Paragangliomas 5; SDHA-Related Hereditary Paraganglioma-Pheochromocytoma Syndrome. Identifiers: Orphanet 29072, MedGen C3279992, MONDO:0013602, OMIM 614165.

Submissions (2):

Labcorp Genetics (formerly Invitae), Labcorp
Classification: Uncertain significance for Pheochromocytoma/paraganglioma syndrome 5; Mitochondrial complex II deficiency, nuclear type 1. Last evaluated: 2025-10-13. Review status: criteria provided, single submitter. Criteria: Invitae Variant Classification Sherloc (09022015). Collection method: clinical testing. Allele origin: germline.
Comment: This sequence change replaces aspartic acid, which is acidic and polar, with histidine, which is basic and polar, at codon 212 of the SDHA protein (p.Asp212His). This variant is not present in population databases (gnomAD no frequency). This variant has not been reported in the literature in individuals affected with SDHA-related conditions. ClinVar contains an entry for this variant (Variation ID: 2452808). Invitae Evidence Modeling of protein sequence and biophysical properties (such as structural, functional, and spatial information, amino acid conservation, physicochemical variation, residue mobility, and thermodynamic stability) indicates that this missense variant is not expected to disrupt SDHA protein function with a negative predictive value of 95%. In summary, the available evidence is currently insufficient to determine the role of this variant in disease. Therefore, it has been classified as a Variant of Uncertain Significance.

Ambry Genetics
Classification: Uncertain significance for Hereditary cancer-predisposing syndrome. Last evaluated: 2023-02-28. Review status: criteria provided, single submitter. Criteria: Ambry Variant Classification Scheme 2023. Collection method: clinical testing. Allele origin: germline.
Comment: The p.D212H variant (also known as c.634G>C), located in coding exon 6 of the SDHA gene, results from a G to C substitution at nucleotide position 634. The aspartic acid at codon 212 is replaced by histidine, an amino acid with similar properties. This amino acid position is conserved. In addition, the in silico prediction for this alteration is inconclusive. Since supporting evidence is limited at this time, the clinical significance of this alteration remains unclear.